The following is an entry in ClinVar:

NM_205768.3(ZBTB18):c.764_765dup (p.Ser256fs)

Gene: ZBTB18 (zinc finger and BTB domain containing 18; plus strand). Cytogenetic location: 1q44.
Variant type: Duplication.
Coding change: c.764_765dup on transcript NM_205768.3 (MANE Select); coding-DNA positions 764 to 765, 2 bases duplicated (CC; older notation c.764_765dupCC).
Protein change: p.Ser256fs; shifts the reading frame from serine 256.
Molecular consequence: frameshift variant.
Genome position (GRCh38, 1-based): chr1:244,054,538-244,054,539, CC duplicated. VCF-style (leftmost placement, unchanged base first): chr1-244054537-T-TCC. GRCh37 (hg19) VCF-style: chr1-244217839-T-TCC.
Other names: c.737_738dup, p.Ser247fs (NM_001278196.2); c.737_738dup, p.Ser247Profs (NM_006352.5); short protein forms S247fs, S256fs.
Identifiers: ClinVar variation 1710007 (VCV001710007.2), dbSNP rs2527557851, ClinGen allele CA2580063498.

ClinVar aggregate classification (germline): Likely pathogenic (1 of 4 stars; one submission).

Conditions:
Intellectual developmental disorder, autosomal dominant 22. Also called: Intellectual disability, autosomal dominant 22. Identifiers: MedGen CN029689, MONDO:0012869, OMIM 612337.

Submission:

MGZ Medical Genetics Center
Classification: Likely pathogenic for Intellectual developmental disorder, autosomal dominant 22. Last evaluated: 2021-10-15. Review status: criteria provided, single submitter. Criteria: ACMG Guidelines, 2015. Collection method: clinical testing. Allele origin: germline. Affected: yes. Observed: 1 variant allele.
Comment: ACMG criteria applied: PVS1, PM2_SUP